The following is an entry in ClinVar:

NM_002439.5(MSH3):c.3333G>A (p.Trp1111Ter)

Gene: MSH3 (mutS homolog 3; plus strand). Cytogenetic location: 5q14.1.
Variant type: single nucleotide variant.
Coding change: c.3333G>A on transcript NM_002439.5 (MANE Select); coding-DNA position 3333, G replaced by A.
Protein change: p.Trp1111Ter; replaces tryptophan 1111 with a stop codon.
Molecular consequence: nonsense.
Genome position (GRCh38, 1-based): chr5:80,875,781, G>A. VCF-style: chr5-80875781-G-A. GRCh37 (hg19) VCF-style: chr5-80171600-G-A.
Other names: short protein forms W1111*.
Identifiers: ClinVar variation 1437548 (VCV001437548.9), dbSNP rs2112131747, ClinGen allele CA360347331.

ClinVar aggregate classification (germline): Uncertain significance. Review status: criteria provided, multiple submitters, no conflicts (2 of 4 stars). 2 submissions from 2 submitters: Uncertain significance (2). Last evaluated 2024-09-26.

Conditions:
Hereditary cancer-predisposing syndrome. Also called: Neoplastic Syndromes, Hereditary; Hereditary Cancer Syndrome; Hereditary neoplastic syndrome; Tumor predisposition. Identifiers: Orphanet 140162, MedGen C0027672, MeSH D009386, MONDO:0015356.

Submissions (2):

Ambry Genetics
Classification: Uncertain significance for Hereditary cancer-predisposing syndrome. Last evaluated: 2024-09-26. Review status: criteria provided, single submitter. Criteria: Ambry Variant Classification Scheme 2023. Collection method: clinical testing. Allele origin: germline.
Comment: The p.W1111* variant (also known as c.3333G>A), located in coding exon 24 of the MSH3 gene, results from a G to A substitution at nucleotide position 3333. This changes the amino acid from a tryptophan to a stop codon within coding exon 24. This alteration occurs at the 3' terminus of theMSH3 gene, is not expected to trigger nonsense-mediated mRNAdecay, and only impacts the last 2.4% of the protein. The exact functional effect of this alteration is unknown. Based on the available evidence, the clinical significance of this variant remains unclear.

Labcorp Genetics (formerly Invitae), Labcorp
Classification: Uncertain significance. Last evaluated: 2024-03-18. Review status: criteria provided, single submitter. Criteria: Invitae Variant Classification Sherloc (09022015). Collection method: clinical testing. Allele origin: germline.
Comment: This sequence change creates a premature translational stop signal (p.Trp1111*) in the MSH3 gene. While this is not anticipated to result in nonsense mediated decay, it is expected to disrupt the last 27 amino acid(s) of the MSH3 protein. This variant is not present in population databases (gnomAD no frequency). This variant has not been reported in the literature in individuals affected with MSH3-related conditions. ClinVar contains an entry for this variant (Variation ID: 1437548). Experimental studies and prediction algorithms are not available or were not evaluated, and the functional significance of this variant is currently unknown. Algorithms developed to predict the effect of sequence changes on RNA splicing suggest that this variant may disrupt the consensus splice site. In summary, the available evidence is currently insufficient to determine the role of this variant in disease. Therefore, it has been classified as a Variant of Uncertain Significance.